The following is an entry in ClinVar:

ClinVar aggregate classification (germline): Pathogenic. Review status: reviewed by expert panel (3 of 4 stars). 15 submissions from 15 submitters: Pathogenic (1). 14 of the submissions do not count toward it. Last evaluated 2024-08-13.

Conditions:
VWF-related disorder. Also called: VWF-related condition; VWF-related disorders.
Hereditary von Willebrand disease. Identifiers: Orphanet 903, MedGen C5703318, MONDO:0019565. Inheritance: Autosomal recessive or Autosomal dominant.
von Willebrand disease type 2 (VWD2). Also called: VON WILLEBRAND DISEASE, TYPE 2A/IIE; VON WILLEBRAND DISEASE, TYPE 2CB; VON WILLEBRAND DISEASE, TYPE II; VWD, TYPE 2. Identifiers: Orphanet 166081, Orphanet 903, MedGen C1264040, MONDO:0013304, OMIM 613554.
Von Willebrand disease type 2B. Identifiers: Orphanet 166087, MedGen C1282971, MONDO:0015629.

Submissions 1 to 8 of 15:

ClinGen von Willebrand Disease Variant Curation Expert Panel, ClinGen
Classification: Pathogenic for Von Willebrand disease type 2B. Last evaluated: 2024-08-13. Review status: reviewed by expert panel. Criteria: ClinGen VWD 2A B M Rules. Collection method: curation. Allele origin: germline. Inheritance: Autosomal dominant inheritance.
Comment: NM_000552.4(VWF):c.3922C>T (p.Arg1308Cys) missense variant is predicted to cause substitution of arginine by cysteine at amino acid 1308. This variant has been reported in at least 30 probands, of which at least 19 reported sufficient phenotypic information to confirm type 2B VWD. (PS4; PMIDs: 18805962, 22077376, 1419803, 2010538, 16246252). Patient 9 of PMID: 2010538, has sufficient information to meet PP4_moerate: lacked HMWM in plasma and had a moderately heightened RIPA (0.6–0.7), as well as low VWF:RCo/VWF:Ag ratio (<0.45), with Platelet-type VWD excluded by mixing experiments to confirm that the defect was in the patient plasma and not in the patient platelets. The variant has been reported to segregate with VWD type 2B through at least 2 affected meioses from 1 family (PP1; PMID: 2010538). This variant has been identified as a de novo occurrence with unconfirmed parental relationships in 1 individual with VWD type 2B (PPS2_supporting; PMID: 2010538). This variant is absent from gnomAD v4.1 (PM2_Supporting). GP1bα binding assay in COS-7 cells expressing recombinant VWF, variant alone or together with WT, showed increased binding at low doses of ristocetin, indicating that this variant has a gain of function effect on the protein (PMID: 16246252) (PS3). Similar results have been reported in multiple studies (PMIDs: 26345337, 8630394). The computational predictor REVEL gives a score of 0.673, which is above the ClinGen VWD VCEP threshold of >0.644 and predicts a damaging effect on VWF function (PP3). In summary, this variant meets the criteria to be classified as Pathogenic for autosomal dominant VWD type 2B based on the ACMG/AMP criteria applied, as specified by the ClinGen VWD VCEP: PS3_supporting, PS4_VeryStrong, PM2_supporting, PS2_supporting, PP1, PP3, PP4_moderate.

PreventionGenetics, part of Exact Sciences
Classification: Pathogenic for VWF-related condition. Last evaluated: 2026-08-27. Review status: criteria provided, single submitter. Criteria: ACMG Guidelines, 2015. Collection method: clinical testing. Allele origin: germline. Not counted in ClinVar's aggregate classification.
Comment: The VWF c.3922C>T variant is predicted to result in the amino acid substitution p.Arg1308Cys. This variant, also known as p.Arg545Cys in the literature, was reported in multiple individuals with von Willebrand disease 2B (Randi et al. 1991. PubMed ID: 2010538; Cooney et al. 1991. PubMed ID: 1672694; Ranger et al. 2012. PubMed ID: 22077376; Freitas et al. 2019. PubMed ID: 30817071). Functional studies showed that this variant leads to increased affinity for GPIb and enhanced responsiveness to ristocetin (Ahmad et al. 2013. PubMed ID: 23179108; Ma et al. 2015. PubMed ID: 26345337). This variant has not been reported in a large population database (gnomAD), indicating this variant is rare. Different nucleotide substitutions affecting the same amino acid (p.Arg1308Ser and p.Arg1308His) have been reported in individuals with von Willebrand disease (Hatta et al. 2015. PubMed ID: 26278967; Meyer et al. 1997. PubMed ID: 9198195). Taken together, the c.3922C>T (p.Arg1308Cys) variant is interpreted as pathogenic.

Mayo Clinic Laboratories, Mayo Clinic
Classification: Pathogenic. Last evaluated: 2025-07-11. Review status: criteria provided, single submitter. Criteria: ACMG Guidelines, 2015. Collection method: clinical testing. Allele origin: germline. Observed: 3 variant alleles. Not counted in ClinVar's aggregate classification.
Comment: PP1, PP3, PP5, PM2_supporting, PS3_supporting, PS4_very_strong

GeneDx
Classification: Pathogenic. Last evaluated: 2024-02-26. Review status: criteria provided, single submitter. Criteria: GeneDx Variant Classification Process June 2021. Collection method: clinical testing. Allele origin: germline. Affected: yes. Not counted in ClinVar's aggregate classification.
Comment: Published functional studies demonstrate significantly increased GPIb binding in both homozygous and heterozygous states and moderately increased collagen binding (PMID: 23179108); Not observed at significant frequency in large population cohorts (gnomAD); This variant is associated with the following publications: (PMID: 22077376, 1672694, 26345337, 31064749, 30924991, 30817071, 33556167, 35452508, 32573891, 31939074, 27766062, 23179108, 2010538, 36226571)

Women's Health and Genetics/Laboratory Corporation of America, LabCorp
Classification: Pathogenic for von Willebrand disorder. Last evaluated: 2023-04-27. Review status: criteria provided, single submitter. Criteria: LabCorp Variant Classification Summary - May 2015. Collection method: clinical testing. Allele origin: germline. Not counted in ClinVar's aggregate classification.
Comment: Variant summary: VWF c.3922C>T (p.Arg1308Cys) results in a non-conservative amino acid change located in the von Willebrand factor, type A (IPR002035) of the encoded protein sequence. Four of four in-silico tools predict a damaging effect of the variant on protein function. The variant was absent in 251060 control chromosomes. c.3922C>T has been reported in the literature in multiple individuals affected with Von Willebrand Disease (Ahmad_2013, Casonato_2017, Ranger_2012). These data indicate that the variant is very likely to be associated with disease. Experimental evidence evaluating an impact on protein function shows loss of high molecular weight multimers, increased affinity for GPIb and increased stability (Ahmad_2013, Ma_2015). The following publications have been ascertained in the context of this evaluation (PMID: 23179108, 28640903, 26345337, 22077376). Six clinical diagnostic laboratories have submitted clinical-significance assessments for this variant to ClinVar after 2014 and all laboratories classified the variant as pathogenic. Based on the evidence outlined above, the variant was classified as pathogenic.

ARUP Laboratories, Molecular Genetics and Genomics, ARUP Laboratories
Classification: Pathogenic. Last evaluated: 2023-02-21. Review status: criteria provided, single submitter. Criteria: ARUP Molecular Germline Variant Investigation Process 2024. Collection method: clinical testing. Allele origin: germline. Not counted in ClinVar's aggregate classification.
Comment: The VWF c.3922C>T; p.Arg1308Cys variant (rs61749387), also known as R545C, is reported in the literature in multiple individuals affected with von Willebrand disease type 2B (Ahmad 2013, Baronciani 2005, Freitas 2019, Randi 1991, Ranger 2012). This variant is reported in ClinVar (Variation ID: 289), and is absent from the Genome Aggregation Database, indicating it is not a common polymorphism. The arginine at codon 1308 is moderately conserved, and computational analyses are uncertain whether this variant is neutral or deleterious (REVEL: 0.673). Additionally, other amino acid substitutions at this codon (Leu, Pro, Ser, His) have been reported in individuals with von Willebrand disease type 2B (Baronciani 2005, Hatta 2015, Meyer 1997, Nurden 2006). Based on available information, this variant is considered to be pathogenic. References: Ahmad F et al. Characterisation of mutations and molecular studies of type 2 von Willebrand disease. Thromb Haemost. 2013 Jan;109(1):39-46. PMID: 23179108 Baronciani L et al. Expression studies on a novel type 2B variant of the von Willebrand factor gene (R1308L) characterized by defective collagen binding. J Thromb Haemost. 2005 Dec;3(12):2689-94. PMID: 16246252 Freitas SDS et al. Genetic variants of VWF gene in type 2 von Willebrand disease. Haemophilia. 2019 Mar;25(2):e78-e85. PMID: 30817071 Hatta K et al. A family having type 2B von Willebrand disease with a novel VWF p.R1308S mutation: Detection of characteristic platelet aggregates on peripheral blood smears as the key aspect of diagnosis. Thromb Res. 2015 Oct;136(4):813-7. PMID: 26278967 Meyer D et al. Gene defects in 150 unrelated French cases with type 2 von Willebrand disease: from the patient to the gene. INSERM Network on Molecular Abnormalities in von Willebrand Disease. Thromb Haemost. 1997 Jul;78(1):451-6. PMID: 9198195 Nurden P et al. Impaired megakaryocytopoiesis in type 2B von Willebrand disease with severe thrombocytopenia. Blood. 2006 Oct 15;108(8):2587-95. PMID: 16720832 Randi AM et al. Molecular basis of von Willebrand disease type IIB. Candidate mutations cluster in one disulfide loop between proposed platelet glycoprotein Ib binding sequences. J Clin Invest. 1991 Apr;87(4):1220-6. PMID: 2010538 Ranger A et al. Pregnancy in type 2B VWD: a case series. Haemophilia. 2012 May;18(3):406-12. PMID: 22077376

Blueprint Genetics
Classification: Pathogenic for VWF-related disorders. Last evaluated: 2023-01-20. Review status: criteria provided, single submitter. Criteria: ACMG Guidelines, 2015. Collection method: clinical testing. Allele origin: germline. Affected: yes. Observed: 2 variant alleles. Not counted in ClinVar's aggregate classification.

Quest Diagnostics Nichols Institute San Juan Capistrano
Classification: Pathogenic. Last evaluated: 2021-08-26. Review status: criteria provided, single submitter. Criteria: Quest Diagnostics criteria. Collection method: clinical testing. Allele origin: unknown. Not counted in ClinVar's aggregate classification.
Comment: The variant has been reported in multiple individuals with type 2B von Willebrand disease in the published literature (PMIDs: 31939074 (2020), 30817071 (2019), 1419803 (1992), and 2010538 (1991)). It has been shown to result in enhanced sensitivity to ADAMT13-mediated proteolysis (PMID: 26345337 (2015)), increased affinity for GpIbα, increased absence of high molecular weight multimers (PMIDs: 2010538 (1991), 16246252 (2005)), 23179108 (2013), 17155947 (2007)), and a reduced binding to collagen type I and III (PMID: 16246252 (2005)). Therefore, the variant is classified as pathogenic.

NM_000552.5(VWF):c.3922C>T (p.Arg1308Cys)

Gene: VWF (von Willebrand factor; minus strand). Cytogenetic location: 12p13.31.
Variant type: single nucleotide variant.
Coding change: c.3922C>T on transcript NM_000552.5 (MANE Select); coding-DNA position 3922, C replaced by T.
Protein change: p.Arg1308Cys; replaces arginine 1308 with cysteine.
Molecular consequence: missense variant.
Genome position (GRCh38, 1-based): chr12:6,019,496, G>A on the plus strand (C>T on the coding strand, the complement: VWF is on the minus strand). VCF-style: chr12-6019496-G-A. GRCh37 (hg19) VCF-style: chr12-6128662-G-A.
Other names: p.R1308C; NM_000552.4(VWF):c.3922C>T; short protein forms R1308C.
Identifiers: ClinVar variation 289 (VCV000000289.24), dbSNP rs61749387, ClinGen allele CA114125.